The following is an entry in ClinVar:

ClinVar aggregate classification (germline): Pathogenic (1 of 4 stars; one submission).

Conditions:
Medium-chain acyl-coenzyme A dehydrogenase deficiency (ACADMD). Also called: MCADD; CARNITINE DEFICIENCY SECONDARY TO MEDIUM-CHAIN ACYL-CoA DEHYDROGENASE DEFICIENCY; Medium chain acyl-CoA dehydrogenase deficiency; MCAD Deficiency; ACADM DEFICIENCY; MCADH DEFICIENCY. Identifiers: Orphanet 42, MedGen C0220710, MONDO:0008721, OMIM 201450.

Submission:

Labcorp Genetics (formerly Invitae), Labcorp
Classification: Pathogenic for Medium-chain acyl-coenzyme A dehydrogenase deficiency. Last evaluated: 2022-03-17. Review status: criteria provided, single submitter. Criteria: Invitae Variant Classification Sherloc (09022015). Collection method: clinical testing. Allele origin: germline.
Comment: ClinVar contains an entry for this variant (Variation ID: 849706). For these reasons, this variant has been classified as Pathogenic. Algorithms developed to predict the effect of sequence changes on RNA splicing suggest that this variant may disrupt the consensus splice site. This variant has not been reported in the literature in individuals affected with ACADM-related conditions. This variant is not present in population databases (gnomAD no frequency). This sequence change creates a premature translational stop signal (p.Glu111Aspfs*35) in the ACADM gene. It is expected to result in an absent or disrupted protein product. Loss-of-function variants in ACADM are known to be pathogenic (PMID: 16121256, 20434380).

Literature cited by the submitters: PubMed 16121256; PubMed 20434380.

NM_000016.6(ACADM):c.333_345del (p.Glu111fs)

Gene: ACADM (acyl-CoA dehydrogenase medium chain; plus strand). Cytogenetic location: 1p31.1.
Variant type: Deletion.
Coding change: c.333_345del on transcript NM_000016.6 (MANE Select); coding-DNA positions 333 to 345, 13 bases deleted (ATTGGCTTATGGA).
Protein change: p.Glu111fs; shifts the reading frame from glutamic acid 111.
Molecular consequence: frameshift variant. On other transcripts: intron variant (1).
Genome position (GRCh38, 1-based): chr1:75,733,574-75,733,586, ATTGGCTTATGGA deleted; deleting any 13 consecutive bases within chr1:75,733,572-75,733,586 gives the same sequence; the c. name uses the placement nearest the transcript's 3' end. VCF-style (leftmost placement, unchanged base first): chr1-75733571-AGAATTGGCTTATG-A. GRCh37 (hg19) VCF-style: chr1-76199256-AGAATTGGCTTATG-A.
Other names: c.345_357del, p.Glu115fs (NM_001127328.3); c.225_237del, p.Glu75fs (NM_001286042.2); c.432_444del, p.Glu144fs (NM_001286043.2); c.-100+652_-100+664del (NM_001286044.2); short protein forms E75fs, E111fs, E115fs, E144fs.
Identifiers: ClinVar variation 849706 (VCV000849706.7), dbSNP rs1647188308, ClinGen allele CA916082038.